The following is an entry in ClinVar:

NM_001099271.2(POC5):c.631A>G (p.Ile211Val)

Gene: POC5 (POC5 centriolar protein; minus strand). Cytogenetic location: 5q13.3.
Variant type: single nucleotide variant.
Coding change: c.631A>G on transcript NM_001099271.2 (MANE Select); coding-DNA position 631, A replaced by G.
Protein change: p.Ile211Val; replaces isoleucine 211 with valine.
Molecular consequence: missense variant.
Genome position (GRCh38, 1-based): chr5:75,694,714, T>C on the plus strand (A>G on the coding strand, the complement: POC5 is on the minus strand). VCF-style: chr5-75694714-T-C. GRCh37 (hg19) VCF-style: chr5-74990539-T-C.
Other names: c.556A>G, p.Ile186Val (NM_152408.3); short protein forms I186V, I211V.
Identifiers: ClinVar variation 1521706 (VCV001521706.6), dbSNP rs1289849286, ClinGen allele CA360148033.

ClinVar aggregate classification (germline): Uncertain significance (1 of 4 stars; one submission).

Allele frequency attached by ClinVar (database versions not stated): gnomAD exomes below 0.00001; gnomAD 0.00001; TOPMed 0.00001.
gnomAD v4.1: 3 of 1,597,396 alleles (0.00019%); highest among the groups gnomAD compares: Non-Finnish European, 0.00026%; no homozygotes.

Submission:

Labcorp Genetics (formerly Invitae), Labcorp
Classification: Uncertain significance. Last evaluated: 2021-09-27. Review status: criteria provided, single submitter. Criteria: Invitae Variant Classification Sherloc (09022015). Collection method: clinical testing. Allele origin: germline.
Comment: This variant has not been reported in the literature in individuals affected with POC5-related conditions. This sequence change replaces isoleucine with valine at codon 211 of the POC5 protein (p.Ile211Val). There is a small physicochemical difference between isoleucine and valine. This variant is not present in population databases (ExAC no frequency). Algorithms developed to predict the effect of missense changes on protein structure and function output the following: SIFT: "Not Available"; PolyPhen-2: "Benign"; Align-GVGD: "Not Available". The valine amino acid residue is found in multiple mammalian species, which suggests that this missense change does not adversely affect protein function. Algorithms developed to predict the effect of sequence changes on RNA splicing suggest that this variant may create or strengthen a splice site. In summary, the available evidence is currently insufficient to determine the role of this variant in disease. Therefore, it has been classified as a Variant of Uncertain Significance.